The following is an entry in ClinVar:

NM_001291303.3(FAT4):c.8332A>G (p.Ile2778Val)

Gene: FAT4 (FAT atypical cadherin 4; plus strand). Cytogenetic location: 4q28.1.
Variant type: single nucleotide variant.
Coding change: c.8332A>G on transcript NM_001291303.3 (MANE Select); coding-DNA position 8332, A replaced by G.
Protein change: p.Ile2778Val; replaces isoleucine 2778 with valine.
Molecular consequence: missense variant.
Genome position (GRCh38, 1-based): chr4:125,449,342, A>G. VCF-style: chr4-125449342-A-G. GRCh37 (hg19) VCF-style: chr4-126370497-A-G.
Other names: c.8332A>G, p.Ile2778Val (NM_001291285.3); c.8326A>G, p.Ile2776Val (NM_024582.6); short protein forms I2776V, I2778V.
Identifiers: ClinVar variation 430123 (VCV000430123.4), dbSNP rs773858750, ClinGen allele CA358145816.

ClinVar aggregate classification (germline): Uncertain significance (1 of 4 stars; one submission).

Submission:

GeneDx
Classification: Uncertain significance. Last evaluated: 2019-04-23. Review status: criteria provided, single submitter. Criteria: GeneDx Variant Classification Process June 2021. Collection method: clinical testing. Allele origin: germline. Affected: yes.
Comment: Not observed in large population cohorts (Lek et al., 2016); In silico analysis, which includes protein predictors and evolutionary conservation, supports a deleterious effect; Has not been previously published as pathogenic or benign to our knowledge